The following is an entry in ClinVar:

NM_006929.5(SKIC2):c.23-14A>T

Gene: SKIC2 (SKI2 subunit of superkiller complex; plus strand). Cytogenetic location: 6p21.33.
Variant type: single nucleotide variant.
Coding change: c.23-14A>T on transcript NM_006929.5 (MANE Select); 14 bases into the intron before coding-DNA position 23, A replaced by T.
Molecular consequence: intron variant.
Genome position (GRCh38, 1-based): chr6:31,959,283, A>T. VCF-style: chr6-31959283-A-T. GRCh37 (hg19) VCF-style: chr6-31927060-A-T.
Identifiers: ClinVar variation 907288 (VCV000907288.12), dbSNP rs145129911, ClinGen allele CA3729044.
Genomic context (GRCh38, chr6:31,959,283, plus strand): 5'-GAGGGGAGGGAAATGGAACGGAGTAGCCGATATGGAATGAACTTTGACCCCTGACTTTTG[A>T]CCTTTCCCCGTAGTGCTACCCCCTCCAGATCCCCTGGACCTACCCCTTCGGGCCGTGGAG-3'

ClinVar aggregate classification (germline): Benign. Review status: criteria provided, multiple submitters, no conflicts (2 of 4 stars). 2 submissions from 2 submitters: Benign (2). Last evaluated 2026-02-01.

Conditions:
Trichohepatoenteric syndrome 2 (THES2). Identifiers: Orphanet 84064, MedGen C3281289, MONDO:0013818, OMIM 614602.

Allele frequency attached by ClinVar (database versions not stated): gnomAD exomes 0.00082 and 0.00303; gnomAD 0.00092 and 0.00109; TOPMed 0.00177; ExAC 0.00249; 1000 Genomes Project 0.00399; 1000 Genomes Project 30x 0.00422.
gnomAD v4.1: 1,396 of 1,608,454 alleles (0.087%); highest among the groups gnomAD compares: Admixed American, 1.6%; 15 homozygotes.

Submissions (2):

Labcorp Genetics (formerly Invitae), Labcorp
Classification: Benign. Last evaluated: 2026-02-01. Review status: criteria provided, single submitter. Criteria: Invitae Variant Classification Sherloc (09022015). Collection method: clinical testing. Allele origin: germline.

Illumina Laboratory Services, Illumina
Classification: Benign for Trichohepatoenteric syndrome 2. Last evaluated: 2018-01-13. Review status: criteria provided, single submitter. Criteria: ICSL Variant Classification Criteria 13 December 2019. Collection method: clinical testing. Allele origin: germline.
Comment: This variant was observed in the ICSL laboratory as part of a predisposition screen in an ostensibly healthy population. It had not been previously curated by ICSL or reported in the Human Gene Mutation Database (HGMD: prior to June 1st, 2018), and was therefore a candidate for classification through an automated scoring system. Utilizing variant allele frequency, disease prevalence and penetrance estimates, and inheritance mode, an automated score was calculated to assess if this variant is too frequent to cause the disease. Based on the score and internal cut-off values, a variant classified as benign is not then subjected to further curation. The score for this variant resulted in a classification of benign for this disease.